The following is an entry in ClinVar:

NM_032656.4(DHX37):c.1301C>G (p.Ser434Cys)

Gene: DHX37 (DEAH-box helicase 37; minus strand). Cytogenetic location: 12q24.31.
Variant type: single nucleotide variant.
Coding change: c.1301C>G on transcript NM_032656.4 (MANE Select); coding-DNA position 1301, C replaced by G.
Protein change: p.Ser434Cys; replaces serine 434 with cysteine.
Molecular consequence: missense variant.
Genome position (GRCh38, 1-based): chr12:124,968,641, G>C on the plus strand (C>G on the coding strand, the complement: DHX37 is on the minus strand). VCF-style: chr12-124968641-G-C. GRCh37 (hg19) VCF-style: chr12-125453187-G-C.
Other names: short protein forms S434C.
Identifiers: ClinVar variation 4740958 (VCV004740958.1).

ClinVar aggregate classification (germline): Uncertain significance (1 of 4 stars; one submission).

Submission:

Labcorp Genetics (formerly Invitae), Labcorp
Classification: Uncertain significance. Last evaluated: 2025-08-27. Review status: criteria provided, single submitter. Criteria: Invitae Variant Classification Sherloc (09022015). Collection method: clinical testing. Allele origin: germline.
Comment: This sequence change replaces serine, which is neutral and polar, with cysteine, which is neutral and slightly polar, at codon 434 of the DHX37 protein (p.Ser434Cys). This variant is not present in population databases (gnomAD no frequency). This variant has not been reported in the literature in individuals affected with DHX37-related conditions. Invitae Evidence Modeling of protein sequence and biophysical properties (such as structural, functional, and spatial information, amino acid conservation, physicochemical variation, residue mobility, and thermodynamic stability) indicates that this missense variant is not expected to disrupt DHX37 protein function with a negative predictive value of 80%. In summary, the available evidence is currently insufficient to determine the role of this variant in disease. Therefore, it has been classified as a Variant of Uncertain Significance.